The following is an entry in ClinVar:

NM_001330311.2(DVL1):c.686G>C (p.Arg229Pro)

Gene: DVL1 (dishevelled segment polarity protein 1; minus strand). Cytogenetic location: 1p36.33.
Variant type: single nucleotide variant.
Coding change: c.686G>C on transcript NM_001330311.2 (MANE Select); coding-DNA position 686, G replaced by C.
Protein change: p.Arg229Pro; replaces arginine 229 with proline.
Molecular consequence: missense variant.
Genome position (GRCh38, 1-based): chr1:1,340,423, C>G on the plus strand (G>C on the coding strand, the complement: DVL1 is on the minus strand). VCF-style: chr1-1340423-C-G. GRCh37 (hg19) VCF-style: chr1-1275803-C-G.
Other names: c.686G>C (NM_004421.2); c.686G>C, p.Arg229Pro (NM_004421.3); short protein forms R229P.
Identifiers: ClinVar variation 2098901 (VCV002098901.6), dbSNP rs766033367, ClinGen allele CA520536.

ClinVar aggregate classification (germline): Uncertain significance. Review status: criteria provided, multiple submitters, no conflicts (2 of 4 stars). 2 submissions from 2 submitters: Uncertain significance (2). Last evaluated 2023-02-15.

Conditions:
Inborn genetic diseases. Identifiers: MedGen C0950123, MeSH D030342.

gnomAD v4.1: 38 of 1,612,388 alleles (0.0024%); highest among the groups gnomAD compares: Non-Finnish European, 0.003%; no homozygotes.

Submissions (2):

Ambry Genetics
Classification: Uncertain significance for Inborn genetic diseases. Last evaluated: 2023-02-15. Review status: criteria provided, single submitter. Criteria: Ambry Variant Classification Scheme 2023. Collection method: clinical testing. Allele origin: germline.

Labcorp Genetics (formerly Invitae), Labcorp
Classification: Uncertain significance. Last evaluated: 2022-04-10. Review status: criteria provided, single submitter. Criteria: Invitae Variant Classification Sherloc (09022015). Collection method: clinical testing. Allele origin: germline.
Comment: This sequence change replaces arginine, which is basic and polar, with proline, which is neutral and non-polar, at codon 229 of the DVL1 protein (p.Arg229Pro). The frequency data for this variant in the population databases is considered unreliable, as metrics indicate poor data quality at this position in the gnomAD database. This variant has not been reported in the literature in individuals affected with DVL1-related conditions. Algorithms developed to predict the effect of missense changes on protein structure and function are either unavailable or do not agree on the potential impact of this missense change (SIFT: "Tolerated"; PolyPhen-2: "Possibly Damaging"; Align-GVGD: "Class C0"). In summary, the available evidence is currently insufficient to determine the role of this variant in disease. Therefore, it has been classified as a Variant of Uncertain Significance.